The following is an entry in ClinVar:

NM_014321.4(ORC6):c.499G>A (p.Val167Ile)

Gene: ORC6 (origin recognition complex subunit 6; plus strand). Cytogenetic location: 16q11.2.
Variant type: single nucleotide variant.
Coding change: c.499G>A on transcript NM_014321.4 (MANE Select); coding-DNA position 499, G replaced by A.
Protein change: p.Val167Ile; replaces valine 167 with isoleucine.
Molecular consequence: missense variant. On other transcripts: non-coding transcript variant (1).
Genome position (GRCh38, 1-based): chr16:46,695,611, G>A. VCF-style: chr16-46695611-G-A. GRCh37 (hg19) VCF-style: chr16-46729523-G-A.
Other names: short protein forms V167I.
Identifiers: ClinVar variation 2066811 (VCV002066811.3), dbSNP rs144349206, ClinGen allele CA8037407.

ClinVar aggregate classification (germline): Uncertain significance. Review status: criteria provided, multiple submitters, no conflicts (2 of 4 stars). 2 submissions from 2 submitters: Uncertain significance (2). Last evaluated 2024-08-20.

Conditions:
Inborn genetic diseases. Identifiers: MedGen C0950123, MeSH D030342.

Allele frequency attached by ClinVar (database versions not stated): gnomAD exomes 0.00001; ExAC 0.00002; ESP Exome Variant Server 0.00008; gnomAD 0.00010; TOPMed 0.00012.
gnomAD v4.1: 28 of 1,613,586 alleles (0.0017%); highest among the groups gnomAD compares: African/African-American, 0.024%; no homozygotes.

Submissions (2):

Ambry Genetics
Classification: Uncertain significance for Inborn genetic diseases. Last evaluated: 2024-08-20. Review status: criteria provided, single submitter. Criteria: Ambry Variant Classification Scheme 2023. Collection method: clinical testing. Allele origin: germline.

Labcorp Genetics (formerly Invitae), Labcorp
Classification: Uncertain significance. Last evaluated: 2022-06-02. Review status: criteria provided, single submitter. Criteria: Invitae Variant Classification Sherloc (09022015). Collection method: clinical testing. Allele origin: germline.
Comment: This sequence change replaces valine, which is neutral and non-polar, with isoleucine, which is neutral and non-polar, at codon 167 of the ORC6 protein (p.Val167Ile). This variant is present in population databases (rs144349206, gnomAD 0.04%). This variant has not been reported in the literature in individuals affected with ORC6-related conditions. Algorithms developed to predict the effect of missense changes on protein structure and function are either unavailable or do not agree on the potential impact of this missense change (SIFT: "Tolerated"; PolyPhen-2: "Possibly Damaging"; Align-GVGD: "Class C0"). In summary, the available evidence is currently insufficient to determine the role of this variant in disease. Therefore, it has been classified as a Variant of Uncertain Significance.